The following is an entry in ClinVar:

NM_005787.6(ALG3):c.343A>G (p.Thr115Ala)

Gene: ALG3 (ALG3 alpha-1,3- mannosyltransferase; minus strand). Cytogenetic location: 3q27.1.
Variant type: single nucleotide variant.
Coding change: c.343A>G on transcript NM_005787.6 (MANE Select); coding-DNA position 343, A replaced by G.
Protein change: p.Thr115Ala; replaces threonine 115 with alanine.
Molecular consequence: missense variant. On other transcripts: non-coding transcript variant (2).
Genome position (GRCh38, 1-based): chr3:184,245,569, T>C on the plus strand (A>G on the coding strand, the complement: ALG3 is on the minus strand). VCF-style: chr3-184245569-T-C. GRCh37 (hg19) VCF-style: chr3-183963357-T-C.
Other names: c.199A>G, p.Thr67Ala (NM_001006941.2); c.238A>G, p.Thr80Ala (NM_001006942.1); short protein forms T115A, T67A, T80A.
Identifiers: ClinVar variation 1704684 (VCV001704684.2), dbSNP rs753416504, ClinGen allele CA88879690.

ClinVar aggregate classification (germline): Uncertain significance (1 of 4 stars; one submission).

Allele frequency attached by ClinVar (database versions not stated): gnomAD exomes below 0.00001; gnomAD 0.00001; TOPMed 0.00003.
gnomAD v4.1: 6 of 1,613,574 alleles (0.00037%); highest among the groups gnomAD compares: African/African-American, 0.0067%; no homozygotes.

Submission:

GeneDx
Classification: Uncertain significance. Last evaluated: 2022-03-08. Review status: criteria provided, single submitter. Criteria: GeneDx Variant Classification Process June 2021. Collection method: clinical testing. Allele origin: germline. Affected: yes.
Comment: Not observed at significant frequency in large population cohorts (gnomAD); In silico analysis supports that this missense variant has a deleterious effect on protein structure/function; Has not been previously published as pathogenic or benign to our knowledge